The following is an entry in ClinVar:

ClinVar aggregate classification (germline): Uncertain significance. Review status: criteria provided, multiple submitters, no conflicts (2 of 4 stars). 2 submissions from 2 submitters: Uncertain significance (2). Last evaluated 2025-04-08.

Allele frequency attached by ClinVar (database versions not stated): ExAC 0.00005; ESP Exome Variant Server 0.00008; gnomAD exomes 0.00010 and 0.00020; gnomAD 0.00012 and 0.00013; TOPMed 0.00012.
gnomAD v4.1: 309 of 1,613,830 alleles (0.019%); highest among the groups gnomAD compares: Admixed American, 0.027%; no homozygotes.

Submissions (2):

Labcorp Genetics (formerly Invitae), Labcorp
Classification: Uncertain significance. Last evaluated: 2025-04-08. Review status: criteria provided, single submitter. Criteria: Invitae Variant Classification Sherloc (09022015). Collection method: clinical testing. Allele origin: germline.
Comment: This sequence change replaces glycine, which is neutral and non-polar, with arginine, which is basic and polar, at codon 250 of the CACNA2D4 protein (p.Gly250Arg). This variant is present in population databases (rs373534759, gnomAD 0.02%). This variant has not been reported in the literature in individuals affected with CACNA2D4-related conditions. ClinVar contains an entry for this variant (Variation ID: 834612). An algorithm developed to predict the effect of missense changes on protein structure and function (PolyPhen-2) suggests that this variant is likely to be disruptive. In summary, the available evidence is currently insufficient to determine the role of this variant in disease. Therefore, it has been classified as a Variant of Uncertain Significance.

Blueprint Genetics
Classification: Uncertain significance. Last evaluated: 2023-05-30. Review status: criteria provided, single submitter. Criteria: ACMG Guidelines, 2015. Collection method: clinical testing. Allele origin: germline.

NM_172364.5(CACNA2D4):c.748G>C (p.Gly250Arg)

Gene: CACNA2D4 (calcium voltage-gated channel auxiliary subunit alpha2delta 4; minus strand). Cytogenetic location: 12p13.33.
Variant type: single nucleotide variant.
Coding change: c.748G>C on transcript NM_172364.5 (MANE Select); coding-DNA position 748, G replaced by C.
Protein change: p.Gly250Arg; replaces glycine 250 with arginine.
Molecular consequence: missense variant.
Genome position (GRCh38, 1-based): chr12:1,907,473, C>G on the plus strand (G>C on the coding strand, the complement: CACNA2D4 is on the minus strand). VCF-style: chr12-1907473-C-G. GRCh37 (hg19) VCF-style: chr12-2016639-C-G.
Other names: short protein forms G250R.
Identifiers: ClinVar variation 834612 (VCV000834612.10), dbSNP rs373534759, ClinGen allele CA6387427.
Genomic context (GRCh38, chr12:1,907,473, plus strand): 5'-CGGGGAGATGCAACTCCATGTCCTTACCTGGATAGATCCTGAAGAATCCAGTTGCACTGC[C>G]AAAATATTGCCAGGTCAACGTTGGGTCTCTCTGGAAGTTCTCCACGAAGACAGCATTCAA-3'
Protein context (NP_758952.4, residues 240-260): RDPTLTWQYF[Gly250Arg]SATGFFRIYP